The following is an entry in ClinVar:

ClinVar aggregate classification (germline): Conflicting classifications of pathogenicity. Review status: criteria provided, conflicting classifications (1 of 4 stars). 4 submissions from 3 submitters: Uncertain significance (2); Benign (1); Likely benign (1). Last evaluated 2026-01-19.

Conditions:
Autosomal recessive ataxia, Beauce type. Also called: SYNE1 Deficiency; SYNE1-Related Autosomal Recessive Cerebellar Ataxia; Spinocerebellar ataxia, autosomal recessive 8; ATAXIA, RECESSIVE, OF BEAUCE. Identifiers: Orphanet 88644, MedGen C1853116, MONDO:0012549, OMIM 610743.
Emery-Dreifuss muscular dystrophy 4, autosomal dominant (EDMD4). Also called: EMERY-DREIFUSS MUSCULAR DYSTROPHY 4 WITH VARIABLE FEATURES. Identifiers: Orphanet 261, MedGen C2751807, MONDO:0013071, OMIM 612998.

Allele frequency attached by ClinVar (database versions not stated): gnomAD exomes 0.00003 and 0.00010; ExAC 0.00009; 1000 Genomes Project 30x 0.00016; 1000 Genomes Project 0.00020; ESP Exome Variant Server 0.00023; TOPMed 0.00028; gnomAD 0.00031.
gnomAD v4.1: 88 of 1,613,934 alleles (0.0055%); highest among the groups gnomAD compares: African/African-American, 0.11%; no homozygotes.

Submissions (4):

Labcorp Genetics (formerly Invitae), Labcorp
Classification: Likely benign for Emery-Dreifuss muscular dystrophy 4, autosomal dominant; Autosomal recessive ataxia, Beauce type. Last evaluated: 2026-01-19. Review status: criteria provided, single submitter. Criteria: Invitae Variant Classification Sherloc (09022015). Collection method: clinical testing. Allele origin: germline.

Eurofins Ntd Llc (ga)
Classification: Uncertain significance. Last evaluated: 2018-04-16. Review status: criteria provided, single submitter. Criteria: EGL ClinVar v180209 classification definitions. Collection method: clinical testing. Allele origin: germline. Observed: 1 variant allele, 1 heterozygote.

Illumina Laboratory Services, Illumina
Classification: Benign for Emery-Dreifuss muscular dystrophy 4, autosomal dominant. Last evaluated: 2018-01-13. Review status: criteria provided, single submitter. Criteria: ICSL Variant Classification Criteria 13 December 2019. Collection method: clinical testing. Allele origin: germline.
Comment: This variant was observed in the ICSL laboratory as part of a predisposition screen in an ostensibly healthy population. It had not been previously curated by ICSL or reported in the Human Gene Mutation Database (HGMD: prior to June 1st, 2018), and was therefore a candidate for classification through an automated scoring system. Utilizing variant allele frequency, disease prevalence and penetrance estimates, and inheritance mode, an automated score was calculated to assess if this variant is too frequent to cause the disease. Based on the score and internal cut-off values, a variant classified as benign is not then subjected to further curation. The score for this variant resulted in a classification of benign for this disease.

Illumina Laboratory Services, Illumina
Classification: Uncertain significance for Autosomal recessive ataxia, Beauce type. Last evaluated: 2018-01-13. Review status: criteria provided, single submitter. Criteria: ICSL Variant Classification Criteria 13 December 2019. Collection method: clinical testing. Allele origin: germline.

NM_182961.4(SYNE1):c.20730G>C (p.Leu6910=)

Gene: SYNE1 (spectrin repeat containing nuclear envelope protein 1; minus strand). Cytogenetic location: 6q25.2.
Variant type: single nucleotide variant.
Coding change: c.20730G>C on transcript NM_182961.4 (MANE Select); coding-DNA position 20730, G replaced by C.
Protein change: p.Leu6910=; no amino-acid change (leucine 6910 retained).
Molecular consequence: synonymous variant.
Genome position (GRCh38, 1-based): chr6:152,232,248, C>G on the plus strand (G>C on the coding strand, the complement: SYNE1 is on the minus strand). VCF-style: chr6-152232248-C-G. GRCh37 (hg19) VCF-style: chr6-152553383-C-G.
Other names: c.20517G>C, p.Leu6839= (NM_033071.5).
Identifiers: ClinVar variation 355838 (VCV000355838.16), dbSNP rs367864272, ClinGen allele CA4054337.
Genomic context (GRCh38, chr6:152,232,248, plus strand): 5'-AATAACATTTTCCATTAGAGAAATCCAACTCATGACTTCAGAAATGGCATGGCGGGAAGG[C>G]AGTTTATCCATCTGGAGCTGTCCAAGTCAGGGAGAGAACCAGTCCCAAGTGTTAAAATGG-3'
Protein context (NP_892006.3, residues 6900-6920): EKLHQLQMDK[Leu6910=]PSRHAISEVM